The following is an entry in ClinVar:

NM_001903.5(CTNNA1):c.1956C>T (p.Ser652=)

Gene: CTNNA1 (catenin alpha 1; plus strand). Cytogenetic location: 5q31.2.
Variant type: single nucleotide variant.
Coding change: c.1956C>T on transcript NM_001903.5 (MANE Select); coding-DNA position 1956, C replaced by T.
Protein change: p.Ser652=; no amino-acid change (serine 652 retained).
Molecular consequence: synonymous variant.
Genome position (GRCh38, 1-based): chr5:138,929,302, C>T. VCF-style: chr5-138929302-C-T. GRCh37 (hg19) VCF-style: chr5-138264991-C-T.
Other names: c.1956C>T, p.Ser652= (NM_001290307.3, NM_001323982.2, NM_001323983.1 and 2 more transcripts); c.1647C>T, p.Ser549= (NM_001290309.3); c.1587C>T, p.Ser529= (NM_001290310.3); c.846C>T, p.Ser282= (NM_001290312.1, NM_001323987.1, NM_001323988.1 and 17 more transcripts); c.1863C>T, p.Ser621= (NM_001323986.2); c.507C>T, p.Ser169= (NM_001324006.1, NM_001324007.1, NM_001324008.1 and 2 more transcripts); c.753C>T, p.Ser251= (NM_001324011.1); c.603C>T, p.Ser201= (NM_001324012.1, NM_001324013.1).
Identifiers: ClinVar variation 3773464 (VCV003773464.1).

ClinVar aggregate classification (germline): Benign (1 of 4 stars; one submission).

Conditions:
Hereditary diffuse gastric adenocarcinoma (HDGC). Also called: DIFFUSE GASTRIC AND LOBULAR BREAST CANCER SYNDROME. Identifiers: Orphanet 26106, MedGen C1708349, MONDO:0007648, OMIM 137215.

Submission:

Myriad Genetics, Inc.
Classification: Benign for Hereditary diffuse gastric adenocarcinoma. Last evaluated: 2024-10-14. Review status: criteria provided, single submitter. Criteria: Myriad Autosomal Dominant, Autosomal Recessive and X-Linked Classification Criteria (2023). Collection method: clinical testing. Allele origin: unknown.
Comment: This variant is considered benign. This variant is a silent/synonymous amino acid change and it is not expected to impact splicing.